The following is an entry in ClinVar:

NM_002691.4(POLD1):c.3265C>A (p.Leu1089Met)

Gene: POLD1 (DNA polymerase delta 1, catalytic subunit; plus strand). Cytogenetic location: 19q13.33.
Variant type: single nucleotide variant.
Coding change: c.3265C>A on transcript NM_002691.4 (MANE Select); coding-DNA position 3265, C replaced by A.
Protein change: p.Leu1089Met; replaces leucine 1089 with methionine.
Molecular consequence: missense variant. On other transcripts: non-coding transcript variant (1).
Genome position (GRCh38, 1-based): chr19:50,417,888, C>A. VCF-style: chr19-50417888-C-A. GRCh37 (hg19) VCF-style: chr19-50921145-C-A.
Other names: c.3343C>A, p.Leu1115Met (NM_001308632.1); c.3265C>A, p.Leu1089Met (NM_001256849.1); short protein forms L1115M, L1089M.
Identifiers: ClinVar variation 3781350 (VCV003781350.1).
Genomic context (GRCh38, chr19:50,417,888, plus strand): 5'-GCCCCCACCCGCAGCCGGGACTGCCCCATCTTCTACATGCGCAAGAAGGTGCGGAAGGAC[C>A]TGGAAGACCAGGAGCAGCTCCTGCGGCGCTTCGGACCCCCTGGACCTGAGGCCTGGTGAC-3'
Protein context (NP_002682.2, residues 1079-1099): FYMRKKVRKD[Leu1089Met]EDQEQLLRRF

ClinVar aggregate classification (germline): Uncertain significance (1 of 4 stars; one submission).

Conditions:
Hereditary cancer-predisposing syndrome. Also called: Neoplastic Syndromes, Hereditary; Hereditary Cancer Syndrome; Tumor predisposition; Hereditary neoplastic syndrome. Identifiers: Orphanet 140162, MedGen C0027672, MeSH D009386, MONDO:0015356.

Submission:

Ambry Genetics
Classification: Uncertain significance for Hereditary cancer-predisposing syndrome. Last evaluated: 2025-02-14. Review status: criteria provided, single submitter. Criteria: Ambry Variant Classification Scheme 2023. Collection method: clinical testing. Allele origin: germline.
Comment: The p.L1089M variant (also known as c.3265C>A), located in coding exon 26 of the POLD1 gene, results from a C to A substitution at nucleotide position 3265. The leucine at codon 1089 is replaced by methionine, an amino acid with highly similar properties. This amino acid position is conserved. In addition, this alteration is predicted to be tolerated by in silico analysis. Based on the available evidence, the clinical significance of this variant remains unclear.